The following is an entry in ClinVar:

ClinVar aggregate classification (germline): Conflicting classifications of pathogenicity. Review status: criteria provided, conflicting classifications (1 of 4 stars). 3 submissions from 3 submitters: Uncertain significance (2); Likely benign (1). Last evaluated 2024-12-08.

Conditions:
Catecholaminergic polymorphic ventricular tachycardia 1. Also called: VENTRICULAR TACHYCARDIA, STRESS-INDUCED POLYMORPHIC 1; VENTRICULAR TACHYCARDIA, CATECHOLAMINERGIC POLYMORPHIC, 1, WITH OR WITHOUT ATRIAL DYSFUNCTION AND/OR DILATED CARDIOMYOPATHY; RYR2-Related Catecholaminergic Polymorphic Ventricular Tachycardia. Identifiers: Orphanet 3286, MedGen C1631597, MONDO:0011484, OMIM 604772.
Catecholaminergic polymorphic ventricular tachycardia (CVPT). Also called: Catecholamine-induced polymorphic ventricular tachycardia. Identifiers: Orphanet 3286, MedGen C5574922, MONDO:0017990.
Cardiomyopathy (CMYO). Also called: Cardiomyopathies. Identifiers: Orphanet 167848, MedGen C0878544, MONDO:0004994, HP:0001638. Inheritance: Various modes of inheritance.

Submissions (3):

Labcorp Genetics (formerly Invitae), Labcorp
Classification: Likely benign for Catecholaminergic polymorphic ventricular tachycardia 1. Last evaluated: 2024-12-08. Review status: criteria provided, single submitter. Criteria: Invitae Variant Classification Sherloc (09022015). Collection method: clinical testing. Allele origin: germline.

All of Us Research Program, National Institutes of Health
Classification: Uncertain significance for Catecholaminergic polymorphic ventricular tachycardia. Last evaluated: 2023-12-13. Review status: criteria provided, single submitter. Criteria: ACMG Guidelines, 2015. Collection method: clinical testing. Allele origin: germline. Inheritance: Autosomal dominant inheritance. Observed: 1 variant allele, 1 heterozygote.
Comment: This variant causes a T to G nucleotide substitution at the -5 position of intron 73 of the RYR2 gene. To our knowledge, functional studies have not been reported for this variant. This variant has not been reported in individuals affected with cardiovascular disorders in the literature. This variant has not been identified in the general population by the Genome Aggregation Database (gnomAD). The available evidence is insufficient to determine the role of this variant in disease conclusively. Therefore, this variant is classified as a Variant of Uncertain Significance.

This study involves interpretation of variants in research participants for the purpose of population health screening. Participant phenotype was not available at the time of variant classification. Additional details can be found in publication PMID: 35346344, PMCID: PMC8962531

Color Diagnostics, LLC DBA Color Health
Classification: Uncertain significance for Cardiomyopathy. Last evaluated: 2023-11-17. Review status: criteria provided, single submitter. Criteria: ACMG Guidelines, 2015. Collection method: clinical testing. Allele origin: germline.
Comment: This variant causes a T to G nucleotide substitution at the -5 position of intron 73 of the RYR2 gene. To our knowledge, functional studies have not been reported for this variant. This variant has not been reported in individuals affected with cardiovascular disorders in the literature. This variant has not been identified in the general population by the Genome Aggregation Database (gnomAD). The available evidence is insufficient to determine the role of this variant in disease conclusively. Therefore, this variant is classified as a Variant of Uncertain Significance.

NM_001035.3(RYR2):c.10555-5T>G

Gene: RYR2 (ryanodine receptor 2; plus strand). Cytogenetic location: 1q43.
Variant type: single nucleotide variant.
Coding change: c.10555-5T>G on transcript NM_001035.3 (MANE Select); 5 bases into the intron before coding-DNA position 10555, T replaced by G.
Molecular consequence: intron variant.
Genome position (GRCh38, 1-based): chr1:237,723,123, T>G. VCF-style: chr1-237723123-T-G. GRCh37 (hg19) VCF-style: chr1-237886423-T-G.
Identifiers: ClinVar variation 1171812 (VCV001171812.7), dbSNP rs2149125350, ClinGen allele CA2499214595.